The following is an entry in ClinVar:

ClinVar aggregate classification (germline): Uncertain significance. Review status: criteria provided, multiple submitters, no conflicts (2 of 4 stars). 3 submissions from 3 submitters: Uncertain significance (3). Last evaluated 2025-11-03.

Conditions:
Dilated cardiomyopathy 1GG (CMD1GG). Identifiers: Orphanet 154, MedGen C3150898, MONDO:0013339, OMIM 613642.
Pheochromocytoma/paraganglioma syndrome 5. Also called: Paragangliomas 5; SDHA-Related Hereditary Paraganglioma-Pheochromocytoma Syndrome. Identifiers: Orphanet 29072, MedGen C3279992, MONDO:0013602, OMIM 614165.
Mitochondrial complex II deficiency, nuclear type 1. Also called: SUCCINATE CoQ REDUCTASE DEFICIENCY. Identifiers: Orphanet 3208, MedGen C5700310, MONDO:0100294, OMIM 252011.
Hereditary cancer-predisposing syndrome. Also called: Tumor predisposition; Hereditary neoplastic syndrome; Neoplastic Syndromes, Hereditary; Hereditary Cancer Syndrome. Identifiers: Orphanet 140162, MedGen C0027672, MeSH D009386, MONDO:0015356.

Submissions (3):

Ambry Genetics
Classification: Uncertain significance for Hereditary cancer-predisposing syndrome. Last evaluated: 2025-11-03. Review status: criteria provided, single submitter. Criteria: Ambry Variant Classification Scheme 2023. Collection method: clinical testing. Allele origin: germline.
Comment: The p.L457H variant (also known as c.1370T>A), located in coding exon 10 of the SDHA gene, results from a T to A substitution at nucleotide position 1370. The leucine at codon 457 is replaced by histidine, an amino acid with similar properties. This amino acid position is highly conserved in available vertebrate species. In addition, this alteration is predicted to be deleterious by in silico analysis. Since supporting evidence is limited at this time, the clinical significance of this alteration remains unclear.

Labcorp Genetics (formerly Invitae), Labcorp
Classification: Uncertain significance for Pheochromocytoma/paraganglioma syndrome 5; Mitochondrial complex II deficiency, nuclear type 1. Last evaluated: 2025-06-03. Review status: criteria provided, single submitter. Criteria: Invitae Variant Classification Sherloc (09022015). Collection method: clinical testing. Allele origin: germline.
Comment: This sequence change replaces leucine, which is neutral and non-polar, with histidine, which is basic and polar, at codon 457 of the SDHA protein (p.Leu457His). This variant is not present in population databases (gnomAD no frequency). This variant has not been reported in the literature in individuals affected with SDHA-related conditions. ClinVar contains an entry for this variant (Variation ID: 819013). Invitae Evidence Modeling of protein sequence and biophysical properties (such as structural, functional, and spatial information, amino acid conservation, physicochemical variation, residue mobility, and thermodynamic stability) indicates that this missense variant is expected to disrupt SDHA protein function with a positive predictive value of 80%. In summary, the available evidence is currently insufficient to determine the role of this variant in disease. Therefore, it has been classified as a Variant of Uncertain Significance.

Baylor Genetics
Classification: Uncertain significance for Dilated cardiomyopathy 1GG. Last evaluated: 2023-09-21. Review status: criteria provided, single submitter. Criteria: ACMG Guidelines, 2015. Collection method: clinical testing. Allele origin: unknown.

NM_004168.4(SDHA):c.1370T>A (p.Leu457His)

Gene: SDHA (succinate dehydrogenase complex flavoprotein subunit A; plus strand). Cytogenetic location: 5p15.33.
Variant type: single nucleotide variant.
Coding change: c.1370T>A on transcript NM_004168.4 (MANE Select); coding-DNA position 1370, T replaced by A.
Protein change: p.Leu457His; replaces leucine 457 with histidine.
Molecular consequence: missense variant.
Genome position (GRCh38, 1-based): chr5:236,537, T>A. VCF-style: chr5-236537-T-A. GRCh37 (hg19) VCF-style: chr5-236652-T-A.
Other names: c.1226T>A, p.Leu409His (NM_001294332.2); c.1370T>A, p.Leu457His (NM_001330758.2); short protein forms L457H, L409H.
Identifiers: ClinVar variation 819013 (VCV000819013.12), dbSNP rs1579409887, ClinGen allele CA359014018.